The following is an entry in ClinVar:

NM_000136.3(FANCC):c.497T>G (p.Leu166Arg)

Gene: FANCC (FA complementation group C; minus strand). Cytogenetic location: 9q22.32.
Variant type: single nucleotide variant.
Coding change: c.497T>G on transcript NM_000136.3 (MANE Select); coding-DNA position 497, T replaced by G.
Protein change: p.Leu166Arg; replaces leucine 166 with arginine.
Molecular consequence: missense variant.
Genome position (GRCh38, 1-based): chr9:95,171,103, A>C on the plus strand (T>G on the coding strand, the complement: FANCC is on the minus strand). VCF-style: chr9-95171103-A-C. GRCh37 (hg19) VCF-style: chr9-97933385-A-C.
Other names: c.497T>G, p.Leu166Arg (NM_001243743.2, NM_001243744.2); short protein forms L166R.
Identifiers: ClinVar variation 1304604 (VCV001304604.6), dbSNP rs768672598, ClinGen allele CA5137720.

ClinVar aggregate classification (germline): Uncertain significance. Review status: criteria provided, multiple submitters, no conflicts (2 of 4 stars). 2 submissions from 2 submitters: Uncertain significance (2). Last evaluated 2024-08-13.

Conditions:
Hereditary cancer-predisposing syndrome. Also called: Tumor predisposition; Neoplastic Syndromes, Hereditary; Hereditary Cancer Syndrome; Hereditary neoplastic syndrome. Identifiers: Orphanet 140162, MedGen C0027672, MeSH D009386, MONDO:0015356.

Allele frequency attached by ClinVar (database versions not stated): TOPMed below 0.00001; ExAC 0.00001; gnomAD exomes 0.00001.
gnomAD v4.1: 12 of 1,613,614 alleles (0.00074%); highest among the groups gnomAD compares: Non-Finnish European, 0.001%; no homozygotes.

Submissions (2):

Ambry Genetics
Classification: Uncertain significance for Hereditary cancer-predisposing syndrome. Last evaluated: 2024-08-13. Review status: criteria provided, single submitter. Criteria: Ambry Variant Classification Scheme 2023. Collection method: clinical testing. Allele origin: germline.
Comment: The p.L166R variant (also known as c.497T>G), located in coding exon 5 of the FANCC gene, results from a T to G substitution at nucleotide position 497. The leucine at codon 166 is replaced by arginine, an amino acid with dissimilar properties. This amino acid position is well conserved in available vertebrate species. In addition, the in silico prediction for this alteration is inconclusive. Based on the available evidence, the clinical significance of this variant remains unclear.

GeneDx
Classification: Uncertain significance. Last evaluated: 2024-02-21. Review status: criteria provided, single submitter. Criteria: GeneDx Variant Classification Process June 2021. Collection method: clinical testing. Allele origin: germline. Affected: yes.
Comment: Not observed at significant frequency in large population cohorts (gnomAD); In silico analysis supports that this missense variant has a deleterious effect on protein structure/function; Has not been previously published as pathogenic or benign to our knowledge